The following is an entry in ClinVar:

ClinVar aggregate classification (germline): Uncertain significance (1 of 4 stars; one submission).

Conditions:
Adams-Oliver syndrome 5 (AOS5). Identifiers: Orphanet 974, MedGen C4014970, MONDO:0014459, OMIM 616028.

Submission:

Labcorp Genetics (formerly Invitae), Labcorp
Classification: Uncertain significance for Adams-Oliver syndrome 5. Last evaluated: 2025-04-28. Review status: criteria provided, single submitter. Criteria: Invitae Variant Classification Sherloc (09022015). Collection method: clinical testing. Allele origin: germline.
Comment: This sequence change creates a premature translational stop signal (p.Ser2486Leufs*21) in the NOTCH1 gene. While this is not anticipated to result in nonsense mediated decay, it is expected to disrupt the last 70 amino acid(s) of the NOTCH1 protein. This variant is not present in population databases (gnomAD no frequency). This premature translational stop signal has been observed in individual(s) with congenital heart defects (PMID: 26820064). Experimental studies and prediction algorithms are not available or were not evaluated, and the functional significance of this variant is currently unknown. In summary, the available evidence is currently insufficient to determine the role of this variant in disease. Therefore, it has been classified as a Variant of Uncertain Significance.

Literature cited by the submitters: PubMed 26820064.

NM_017617.5(NOTCH1):c.7455dup (p.Ser2486fs)

Gene: NOTCH1 (notch receptor 1; minus strand). Cytogenetic location: 9q34.3.
Variant type: Duplication.
Coding change: c.7455dup on transcript NM_017617.5 (MANE Select); coding-DNA position 7455, one base duplicated (C; older notation c.7455dupC).
Protein change: p.Ser2486fs; shifts the reading frame from serine 2486.
Molecular consequence: frameshift variant.
Genome position (GRCh38, 1-based): chr9:136,496,284, G duplicated on the plus strand (C on the coding strand, the reverse complement: NOTCH1 is on the minus strand); the first of 6 consecutive G bases (chr9:136,496,284-136,496,289); duplicating any one gives the same sequence. VCF-style (leftmost placement, unchanged base first): chr9-136496283-A-AG. GRCh37 (hg19) VCF-style: chr9-139390735-A-AG.
Other names: short protein forms S2486fs.
Identifiers: ClinVar variation 4709720 (VCV004709720.1).
Genomic context (GRCh38, chr9:136,496,283, plus strand): 5'-CAGGCACCTGTAGCTGGTGGCTGGGGGTGTTGTCCACAGGCGAGGAGTAGCTGTGCTGCG[A>AG]GGGGGGCGTCAGGAACTGGGCTGCGGTCACGGGTGGGACCAGCGAGGATGGCAGCGACGT-3'